The following is an entry in ClinVar:

NM_000051.4(ATM):c.3300G>A (p.Thr1100=)

Gene: ATM (ATM serine/threonine kinase; plus strand). Cytogenetic location: 11q22.3.
Variant type: single nucleotide variant.
Coding change: c.3300G>A on transcript NM_000051.4 (MANE Select); coding-DNA position 3300, G replaced by A.
Protein change: p.Thr1100=; no amino-acid change (threonine 1100 retained).
Molecular consequence: synonymous variant.
Genome position (GRCh38, 1-based): chr11:108,279,506, G>A. VCF-style: chr11-108279506-G-A. GRCh37 (hg19) VCF-style: chr11-108150233-G-A.
Other names: c.3300G>A, p.Thr1100= (NM_001351834.2).
Identifiers: ClinVar variation 135750 (VCV000135750.53), dbSNP rs587780621, ClinGen allele CA186446.
Genomic context (GRCh38, chr11:108,279,506, plus strand): 5'-AAATTATTTCACTTTTTGTTTGTTTGTTTGCTTGCTTGTTTTAAGATTGTTCCAGGACAC[G>A]AAGGGAGATTCTTCCAGGTTACTGAAAGCACTTCCTTTGAAGCTTCAGCAAACAGCTTTT-3'
Protein context (NP_000042.3, residues 1090-1110): AESINRLFQD[Thr1100=]KGDSSRLLKA

ClinVar aggregate classification (germline): Conflicting classifications of pathogenicity. Review status: criteria provided, conflicting classifications (1 of 4 stars). 11 submissions from 11 submitters: Uncertain significance (1); Benign (2); Likely benign (7). 1 of the submissions does not count toward it. Last evaluated 2026-03-01.

Conditions:
Hereditary cancer-predisposing syndrome. Also called: Tumor predisposition; Hereditary neoplastic syndrome; Hereditary Cancer Syndrome; Neoplastic Syndromes, Hereditary. Identifiers: Orphanet 140162, MedGen C0027672, MeSH D009386, MONDO:0015356.
Familial cancer of breast. Also called: Hereditary breast cancer; hereditary breast carcinoma; BREAST CANCER, FAMILIAL. Identifiers: Orphanet 227535, MedGen C0346153, MONDO:0016419, OMIM 114480. Disease mechanism: loss of function.
Ataxia-telangiectasia syndrome (AT). Also called: ATAXIA-TELANGIECTASIA, COMPLEMENTATION GROUP A; ATAXIA-TELANGIECTASIA, FRESNO VARIANT; Ataxia-telangiectasia; Ataxia-telangiectasia, complementation group D; AT, COMPLEMENTATION GROUP C; Ataxia-telangiectasia, complementation group E. Identifiers: Orphanet 100, MedGen C0004135, MONDO:0008840, OMIM 208900.
Malignant tumor of breast. Also called: Cancer breast; Malignant breast neoplasm. Identifiers: MedGen C0006142, MONDO:0007254. Disease mechanism: loss of function.

Allele frequency attached by ClinVar (database versions not stated): ExAC 0.00002; gnomAD 0.00003; gnomAD exomes 0.00003 and 0.00021; TOPMed 0.00006.
gnomAD v4.1: 317 of 1,611,038 alleles (0.02%); highest among the groups gnomAD compares: Non-Finnish European, 0.025%; no homozygotes.

Submissions (11):

CeGaT Center for Human Genetics Tuebingen
Classification: Likely benign. Last evaluated: 2026-03-01. Review status: criteria provided, single submitter. Criteria: CeGaT Center For Human Genetics Tuebingen Variant Classification Criteria Version 2. Collection method: clinical testing. Allele origin: germline. Affected: yes. Observed: 2 variant alleles.
Comment: ATM: BP4, BP7

Labcorp Genetics (formerly Invitae), Labcorp
Classification: Likely benign for Ataxia-telangiectasia syndrome. Last evaluated: 2025-12-29. Review status: criteria provided, single submitter. Criteria: Invitae Variant Classification Sherloc (09022015). Collection method: clinical testing. Allele origin: germline.

Myriad Genetics, Inc.
Classification: Benign for Familial cancer of breast. Last evaluated: 2024-05-14. Review status: criteria provided, single submitter. Criteria: Myriad Autosomal Dominant, Autosomal Recessive and X-Linked Classification Criteria (2023). Collection method: clinical testing. Allele origin: unknown.
Comment: This variant is considered benign. This variant is a silent/synonymous amino acid change and it is not expected to impact splicing.

Blueprint Genetics
Classification: Likely benign. Last evaluated: 2024-03-25. Review status: criteria provided, single submitter. Criteria: ACMG Guidelines, 2015. Collection method: clinical testing. Allele origin: germline.

Sema4
Classification: Likely benign for Hereditary cancer-predisposing syndrome. Last evaluated: 2021-06-16. Review status: criteria provided, single submitter. Criteria: Sema4 Curation Guidelines. Collection method: curation. Allele origin: germline.

Women's Health and Genetics/Laboratory Corporation of America, LabCorp
Classification: Likely benign. Last evaluated: 2020-12-17. Review status: criteria provided, single submitter. Criteria: LabCorp Variant Classification Summary - May 2015. Collection method: clinical testing. Allele origin: germline.

Illumina Laboratory Services, Illumina
Classification: Uncertain significance for Ataxia-telangiectasia syndrome. Last evaluated: 2018-01-13. Review status: criteria provided, single submitter. Criteria: ICSL Variant Classification Criteria 13 December 2019. Collection method: clinical testing. Allele origin: germline.

Color Diagnostics, LLC DBA Color Health
Classification: Likely benign for Hereditary cancer-predisposing syndrome. Last evaluated: 2015-07-16. Review status: criteria provided, single submitter. Criteria: ACMG Guidelines, 2015. Collection method: clinical testing. Allele origin: germline.

GeneDx
Classification: Benign. Last evaluated: 2015-03-03. Review status: criteria provided, single submitter. Criteria: GeneDx Variant Classification Process June 2021. Collection method: clinical testing. Allele origin: germline. Affected: yes.

Ambry Genetics
Classification: Likely benign for Hereditary cancer-predisposing syndrome. Last evaluated: 2014-09-11. Review status: criteria provided, single submitter. Criteria: Ambry Variant Classification Scheme 2023. Collection method: clinical testing. Allele origin: germline.

Department of Pathology and Laboratory Medicine, Sinai Health System
Classification: Likely benign for Malignant tumor of breast. Review status: no assertion criteria provided. Collection method: clinical testing. Allele origin: unknown. Affected: yes. Study: The Canadian Open Genetics Repository (COGR). Not counted in ClinVar's aggregate classification.
Comment: The ATM p.Thr1100= variant was identified in 5 of 26,174 proband chromosomes (frequency: 0.0002) from individuals with breast cancer and was present in 2 of 10,976 control chromosomes (frequency: 0.0002) from healthy individuals (Decker 2017). The variant was identified in dbSNP (rs587780621) as â€šÃ„Ãºwith likely benign alleleâ€šÃ„Ã¹ and ClinVar (classified as likely benign by Invitae, Ambry Genetics and Color; and as uncertain significance by Integrated Genetics). The variant was not identified in LOVD 3.0. The variant was identified in control databases in 8 of 246,900 chromosomes at a frequency of 0.00003 (Genome Aggregation Database Feb 27, 2017). The variant was observed in the European population in 8 of 110,850 chromosomes (freq: 0.00007), while it was not observed in the African, Latino, Ashkenazi Jewish, East Asian, Finnish, Other or South Asian populations. The p.Thr1100= variant is not expected to have clinical significance because it does not result in a change of amino acid and is not located in a known consensus splice site. The variant occurs at a non-highly conserved nucleotide outside of the splicing consensus sequence and in silico or computational prediction software programs (SpliceSiteFinder, MaxEntScan, NNSPLICE, GeneSplicer) do not predict a difference in splicing. In summary, based on the above information, the clinical significance of this variant cannot be determined with certainty at this time although we would lean towards a more benign role for this variant. This variant is classified as likely benign.

Literature cited by the submitters: PubMed 27535334 (cited by Women's Health and Genetics/Laboratory Corporation of America, LabCorp).